The following is an entry in ClinVar:

ClinVar aggregate classification (germline): Conflicting classifications of pathogenicity. Review status: criteria provided, conflicting classifications (1 of 4 stars). 3 submissions from 3 submitters: Uncertain significance (1); Likely benign (2). Last evaluated 2025-11-11.

Allele frequency attached by ClinVar (database versions not stated): TOPMed 0.00004; gnomAD 0.00001 and 0.00003; gnomAD exomes 0.00010 and 0.00015; ExAC 0.00021.
gnomAD v4.1: 147 of 1,606,048 alleles (0.0092%); highest among the groups gnomAD compares: South Asian, 0.072%; 1 homozygote.

Submissions (3):

Ambry Genetics
Classification: Uncertain significance. Last evaluated: 2025-11-11. Review status: criteria provided, single submitter. Criteria: Ambry Variant Classification Scheme 2023. Collection method: clinical testing. Allele origin: germline.

Labcorp Genetics (formerly Invitae), Labcorp
Classification: Likely benign. Last evaluated: 2023-06-20. Review status: criteria provided, single submitter. Criteria: Invitae Variant Classification Sherloc (09022015). Collection method: clinical testing. Allele origin: germline.

CeGaT Center for Human Genetics Tuebingen
Classification: Likely benign. Last evaluated: 2022-07-01. Review status: criteria provided, single submitter. Criteria: CeGaT Center For Human Genetics Tuebingen Variant Classification Criteria Version 2. Collection method: clinical testing. Allele origin: germline. Affected: yes. Observed: 1 variant allele.
Comment: SLC44A4: BS2

NM_025257.3(SLC44A4):c.1673A>G (p.Asn558Ser)

Gene: SLC44A4 (solute carrier family 44 member 4; minus strand). Cytogenetic location: 6p21.33.
Variant type: single nucleotide variant.
Coding change: c.1673A>G on transcript NM_025257.3 (MANE Select); coding-DNA position 1673, A replaced by G.
Protein change: p.Asn558Ser; replaces asparagine 558 with serine.
Molecular consequence: missense variant.
Genome position (GRCh38, 1-based): chr6:31,865,511, T>C on the plus strand (A>G on the coding strand, the complement: SLC44A4 is on the minus strand). VCF-style: chr6-31865511-T-C. GRCh37 (hg19) VCF-style: chr6-31833288-T-C.
Other names: c.1547A>G, p.Asn516Ser (NM_001178044.2); c.1445A>G, p.Asn482Ser (NM_001178045.2); c.1673A>G (NM_025257.2); short protein forms N482S, N516S, N558S.
Identifiers: ClinVar variation 1701497 (VCV001701497.34), dbSNP rs559523018, ClinGen allele CA3725338.